The following is an entry in ClinVar:

NM_015072.5(TTLL5):c.3104G>A (p.Arg1035Gln)

Gene: TTLL5 (tubulin tyrosine ligase like 5; plus strand). Cytogenetic location: 14q24.3.
Variant type: single nucleotide variant.
Coding change: c.3104G>A on transcript NM_015072.5 (MANE Select); coding-DNA position 3104, G replaced by A.
Protein change: p.Arg1035Gln; replaces arginine 1035 with glutamine.
Molecular consequence: missense variant.
Genome position (GRCh38, 1-based): chr14:75,793,033, G>A. VCF-style: chr14-75793033-G-A. GRCh37 (hg19) VCF-style: chr14-76259376-G-A.
Other names: c.3104G>A (NM_015072.4); short protein forms R1035Q.
Identifiers: ClinVar variation 1000515 (VCV001000515.9), dbSNP rs767213119, ClinGen allele CA7279891.

ClinVar aggregate classification (germline): Uncertain significance. Review status: criteria provided, multiple submitters, no conflicts (2 of 4 stars). 3 submissions from 3 submitters: Uncertain significance (2). 1 of the submissions does not count toward it. Last evaluated 2025-03-26.

Conditions:
Retinal dystrophy. Also called: Inherited retinal dystrophy. Identifiers: Orphanet 71862, MedGen C0854723, MeSH D058499, MONDO:0019118, HP:0000556.
Inborn genetic diseases. Identifiers: MedGen C0950123, MeSH D030342.

Allele frequency attached by ClinVar (database versions not stated): ExAC 0.00011; TOPMed 0.00004; gnomAD 0.00005; gnomAD exomes 0.00005 and 0.00010.
gnomAD v4.1: 88 of 1,613,586 alleles (0.0055%); highest among the groups gnomAD compares: South Asian, 0.082%; 1 homozygote.

Submissions (3):

Ambry Genetics
Classification: Uncertain significance for Inborn genetic diseases. Last evaluated: 2025-03-26. Review status: criteria provided, single submitter. Criteria: Ambry Variant Classification Scheme 2023. Collection method: clinical testing. Allele origin: germline.

Labcorp Genetics (formerly Invitae), Labcorp
Classification: Uncertain significance. Last evaluated: 2022-07-19. Review status: criteria provided, single submitter. Criteria: Invitae Variant Classification Sherloc (09022015). Collection method: clinical testing. Allele origin: germline.
Comment: This sequence change replaces arginine, which is basic and polar, with glutamine, which is neutral and polar, at codon 1035 of the TTLL5 protein (p.Arg1035Gln). This variant is present in population databases (rs767213119, gnomAD 0.08%). This variant has not been reported in the literature in individuals affected with TTLL5-related conditions. ClinVar contains an entry for this variant (Variation ID: 1000515). Algorithms developed to predict the effect of missense changes on protein structure and function (SIFT, PolyPhen-2, Align-GVGD) all suggest that this variant is likely to be tolerated. In summary, the available evidence is currently insufficient to determine the role of this variant in disease. Therefore, it has been classified as a Variant of Uncertain Significance.

Institute of Human Genetics, Univ. Regensburg, Univ. Regensburg
Classification: Uncertain significance for Retinal dystrophy. Last evaluated: 2022-01-01. Review status: no assertion criteria provided. Criteria: ACMG Guidelines, 2015. Collection method: clinical testing. Allele origin: germline. Affected: yes. Not counted in ClinVar's aggregate classification.